The following is an entry in ClinVar:

ClinVar aggregate classification (germline): Pathogenic (1 of 4 stars; one submission).

Submission:

Labcorp Genetics (formerly Invitae), Labcorp
Classification: Pathogenic. Last evaluated: 2023-11-02. Review status: criteria provided, single submitter. Criteria: Invitae Variant Classification Sherloc (09022015). Collection method: clinical testing. Allele origin: germline.
Comment: This sequence change creates a premature translational stop signal (p.Asn69Glnfs*23) in the RASGRP2 gene. It is expected to result in an absent or disrupted protein product. Loss-of-function variants in RASGRP2 are known to be pathogenic (PMID: 27235135, 27663674). This variant is not present in population databases (gnomAD no frequency). This variant has not been reported in the literature in individuals affected with RASGRP2-related conditions. For these reasons, this variant has been classified as Pathogenic.

Literature cited by the submitters: PubMed 27235135; PubMed 27663674.

NM_001098671.2(RASGRP2):c.204dup (p.Asn69fs)

Gene: RASGRP2 (RAS guanyl releasing protein 2; minus strand). Cytogenetic location: 11q13.1.
Variant type: Duplication.
Coding change: c.204dup on transcript NM_001098671.2 (MANE Select); coding-DNA position 204, one base duplicated (C; older notation c.204dupC).
Protein change: p.Asn69fs; shifts the reading frame from asparagine 69.
Molecular consequence: frameshift variant. On other transcripts: 5 prime UTR variant (1).
Genome position (GRCh38, 1-based): chr11:64,741,474, G duplicated on the plus strand (C on the coding strand, the reverse complement: RASGRP2 is on the minus strand); the first of 2 consecutive G bases (chr11:64,741,474-64,741,475); duplicating either gives the same sequence. VCF-style (leftmost placement, unchanged base first): chr11-64741473-T-TG. GRCh37 (hg19) VCF-style: chr11-64508945-T-TG.
Other names: c.204dup, p.Asn69fs (NM_001098670.2); c.-232dup (NM_001318398.2); c.203dup, p.Asn69Glnfs (NM_153819.2); short protein forms N69fs.
Identifiers: ClinVar variation 2772846 (VCV002772846.3), dbSNP rs1565519601, ClinGen allele CA918899040.